The following is an entry in ClinVar:

NM_031407.7(HUWE1):c.5933A>T (p.Gln1978Leu)

Gene: HUWE1 (HECT, UBA and WWE domain containing E3 ubiquitin protein ligase 1; minus strand). Cytogenetic location: Xp11.22.
Variant type: single nucleotide variant.
Coding change: c.5933A>T on transcript NM_031407.7 (MANE Select); coding-DNA position 5933, A replaced by T.
Protein change: p.Gln1978Leu; replaces glutamine 1978 with leucine.
Molecular consequence: missense variant.
Genome position (GRCh38, 1-based): chrX:53,575,740, T>A on the plus strand (A>T on the coding strand, the complement: HUWE1 is on the minus strand). VCF-style: chrX-53575740-T-A. GRCh37 (hg19) VCF-style: chrX-53602700-T-A.
Other names: short protein forms Q1978L.
Identifiers: ClinVar variation 2444587 (VCV002444587.1), dbSNP rs782434222, ClinGen allele CA10422190.
Genomic context (GRCh38, chrX:53,575,740, plus strand): 5'-CTCTGACGCGTAAGTGACCGGTACTGCTGGTATACATCATCACCCATGTCTTGCAGGAGC[T>A]GGCCAACCTCTTGGGTCATAACCCCAGGTTTAGGATCAGATTTATCTGCTAGGAAAACAG-3'
Protein context (NP_113584.3, residues 1968-1988): KPGVMTQEVG[Gln1978Leu]LLQDMGDDVY

ClinVar aggregate classification (germline): Uncertain significance (1 of 4 stars; one submission).

Allele frequency attached by ClinVar (database versions not stated): gnomAD exomes below 0.00001; ExAC 0.00001.

Submission:

GeneDx
Classification: Uncertain significance. Last evaluated: 2022-09-02. Review status: criteria provided, single submitter. Criteria: GeneDx Variant Classification Process June 2021. Collection method: clinical testing. Allele origin: germline. Affected: yes.
Comment: In silico analysis supports that this missense variant does not alter protein structure/function; Has not been previously published as pathogenic or benign to our knowledge